The following is an entry in ClinVar:

ClinVar aggregate classification (germline): Uncertain significance (1 of 4 stars; one submission).

Conditions:
Hyper-IgM syndrome type 1. Also called: CD40 Ligand Deficiency; X-linked hyper-IgM syndrome; Immunodeficiency, X-linked, with hyper-IgM; Hyper-IgM Immunodeficiency Syndrome, Type 1. Identifiers: Orphanet 101088, MedGen C0398689, MONDO:0010626, OMIM 308230.

Allele frequency attached by ClinVar (database versions not stated): gnomAD exomes 0.00001.
gnomAD v4.1: 5 of 1,202,983 alleles (0.00042%); highest among the groups gnomAD compares: Non-Finnish European, 0.00056%; no homozygotes.

Submission:

Labcorp Genetics (formerly Invitae), Labcorp
Classification: Uncertain significance for Hyper-IgM syndrome type 1. Last evaluated: 2020-02-18. Review status: criteria provided, single submitter. Criteria: Invitae Variant Classification Sherloc (09022015). Collection method: clinical testing. Allele origin: germline.
Comment: This sequence change replaces methionine with valine at codon 25 of the CD40LG protein (p.Met25Val). The methionine residue is highly conserved and there is a small physicochemical difference between methionine and valine. This variant is not present in population databases (ExAC no frequency). This variant has not been reported in the literature in individuals with CD40LG-related conditions. Algorithms developed to predict the effect of missense changes on protein structure and function are either unavailable or do not agree on the potential impact of this missense change (SIFT: "Deleterious"; PolyPhen-2: "Benign"; Align-GVGD: "Class C0"). In summary, the available evidence is currently insufficient to determine the role of this variant in disease. Therefore, it has been classified as a Variant of Uncertain Significance.

NM_000074.3(CD40LG):c.73A>G (p.Met25Val)

Gene: CD40LG (CD40 ligand; plus strand). Cytogenetic location: Xq26.3.
Variant type: single nucleotide variant.
Coding change: c.73A>G on transcript NM_000074.3 (MANE Select); coding-DNA position 73, A replaced by G.
Protein change: p.Met25Val; replaces methionine 25 with valine.
Molecular consequence: missense variant.
Genome position (GRCh38, 1-based): chrX:136,648,321, A>G. VCF-style: chrX-136648321-A-G. GRCh37 (hg19) VCF-style: chrX-135730480-A-G.
Other names: short protein forms M25V.
Identifiers: ClinVar variation 1040297 (VCV001040297.10), dbSNP rs2076094894, ClinGen allele CA414751707.